The following is an entry in ClinVar:

ClinVar aggregate classification (germline): Uncertain significance (1 of 4 stars; one submission).

Conditions:
Inborn genetic diseases. Identifiers: MedGen C0950123, MeSH D030342.

Submission:

Ambry Genetics
Classification: Uncertain significance for Inborn genetic diseases. Last evaluated: 2025-11-11. Review status: criteria provided, single submitter. Criteria: Ambry Variant Classification Scheme 2023. Collection method: clinical testing. Allele origin: germline.
Comment: The p.A431G variant (also known as c.1292C>G), located in coding exon 5 of the GATA2 gene, results from a C to G substitution at nucleotide position 1292. The alanine at codon 431 is replaced by glycine, an amino acid with similar properties. This amino acid position is conserved. In addition, the in silico prediction for this alteration is inconclusive. Based on the available evidence, the clinical significance of this variant remains unclear.

NM_032638.5(GATA2):c.1292C>G (p.Ala431Gly)

Gene: GATA2 (GATA binding protein 2; minus strand). Cytogenetic location: 3q21.3.
Variant type: single nucleotide variant.
Coding change: c.1292C>G on transcript NM_032638.5 (MANE Select); coding-DNA position 1292, C replaced by G.
Protein change: p.Ala431Gly; replaces alanine 431 with glycine.
Molecular consequence: missense variant.
Genome position (GRCh38, 1-based): chr3:128,481,170, G>C on the plus strand (C>G on the coding strand, the complement: GATA2 is on the minus strand). VCF-style: chr3-128481170-G-C. GRCh37 (hg19) VCF-style: chr3-128200013-G-C.
Other names: c.1292C>G, p.Ala431Gly (NM_001145661.2); c.1250C>G, p.Ala417Gly (NM_001145662.1); short protein forms A417G, A431G.
Identifiers: ClinVar variation 4620637 (VCV004620637.1).